The following is an entry in ClinVar:

NM_002474.3(MYH11):c.2851C>G (p.Gln951Glu)

Gene: MYH11 (myosin heavy chain 11; minus strand). Cytogenetic location: 16p13.11.
Variant type: single nucleotide variant.
Coding change: c.2851C>G on transcript NM_002474.3 (MANE Select); coding-DNA position 2851, C replaced by G.
Protein change: p.Gln951Glu; replaces glutamine 951 with glutamic acid.
Molecular consequence: missense variant.
Genome position (GRCh38, 1-based): chr16:15,741,471, G>C on the plus strand (C>G on the coding strand, the complement: MYH11 is on the minus strand). VCF-style: chr16-15741471-G-C. GRCh37 (hg19) VCF-style: chr16-15835328-G-C.
Other names: c.2872C>G, p.Gln958Glu (NM_001040113.2, NM_001040114.2); c.2851C>G, p.Gln951Glu (NM_022844.3); short protein forms Q951E, Q958E.
Identifiers: ClinVar variation 4758702 (VCV004758702.1).

ClinVar aggregate classification (germline): Uncertain significance (1 of 4 stars; one submission).

Conditions:
Familial thoracic aortic aneurysm and aortic dissection (TAAD). Also called: Thoracic aortic aneurysms and dissections. Identifiers: Orphanet 91387, MedGen C4707243, MONDO:0019625.

Submission:

Color Diagnostics, LLC DBA Color Health
Classification: Uncertain significance for Familial thoracic aortic aneurysm and aortic dissection. Last evaluated: 2025-05-30. Review status: criteria provided, single submitter. Criteria: ACMG Guidelines, 2015. Collection method: clinical testing. Allele origin: germline.
Comment: This missense variant replaces glutamine with glutamic acid at codon 958 of the MYH11 protein. Computational prediction suggests that this variant may not impact protein structure and function. To our knowledge, functional studies have not been reported for this variant. This variant has not been reported in individuals affected with MYH11-related disorders in the literature. This variant has not been identified in the general population by the Genome Aggregation Database (gnomAD). The available evidence is insufficient to determine the role of this variant in disease conclusively. Therefore, this variant is classified as a Variant of Uncertain Significance.